The following is an entry in ClinVar:

ClinVar aggregate classification (germline): Benign. Review status: criteria provided, multiple submitters, no conflicts (2 of 4 stars). 2 submissions from 2 submitters: Benign (2). Last evaluated 2018-06-19.

Allele frequency attached by ClinVar (database versions not stated): 1000 Genomes Project 30x 0.10603; 1000 Genomes Project 0.10623; TOPMed 0.10970; gnomAD 0.11254 and 0.11321.
gnomAD v4.1: 170,004 of 1,587,902 alleles (11%); highest among the groups gnomAD compares: Middle Eastern, 15%; 9,817 homozygotes.

Submissions (2):

GeneDx
Classification: Benign. Last evaluated: 2018-06-19. Review status: criteria provided, single submitter. Criteria: GeneDx Variant Classification (06012015). Collection method: clinical testing. Allele origin: germline. Affected: yes.
Comment: This variant is considered likely benign or benign based on one or more of the following criteria: it is a conservative change, it occurs at a poorly conserved position in the protein, it is predicted to be benign by multiple in silico algorithms, and/or has population frequency not consistent with disease.

Breakthrough Genomics
Classification: Benign. Review status: criteria provided, single submitter. Criteria: ACMG Guidelines, 2015. Collection method: not provided. Allele origin: germline. Inheritance: Autosomal recessive inheritance. Affected: yes.

NM_005518.4(HMGCS2):c.685+68T>C

Gene: HMGCS2 (3-hydroxy-3-methylglutaryl-CoA synthase 2; minus strand). Cytogenetic location: 1p12.
Variant type: single nucleotide variant.
Coding change: c.685+68T>C on transcript NM_005518.4 (MANE Select); 68 bases into the intron after coding-DNA position 685, T replaced by C.
Molecular consequence: intron variant.
Genome position (GRCh38, 1-based): chr1:119,759,796, A>G on the plus strand (T>C on the coding strand, the complement: HMGCS2 is on the minus strand). VCF-style: chr1-119759796-A-G. GRCh37 (hg19) VCF-style: chr1-120302419-A-G.
Other names: c.560-514T>C (NM_001166107.1).
Identifiers: ClinVar variation 676265 (VCV000676265.2), dbSNP rs12121219, ClinGen allele CA10780239.